The following is an entry in ClinVar:

ClinVar aggregate classification (germline): Uncertain significance (1 of 4 stars; one submission).

Conditions:
Congenital contractural arachnodactyly (CCA). Also called: Arthrogryposis, distal, type 9; BEALS SYNDROME; Beals-Hecht syndrome. Identifiers: Orphanet 115, MedGen C0220668, MONDO:0007363, OMIM 121050.

Submission:

Labcorp Genetics (formerly Invitae), Labcorp
Classification: Uncertain significance for Congenital contractural arachnodactyly. Last evaluated: 2021-08-23. Review status: criteria provided, single submitter. Criteria: Invitae Variant Classification Sherloc (09022015). Collection method: clinical testing. Allele origin: germline.
Comment: This sequence change replaces glycine with cysteine at codon 964 of the FBN2 protein (p.Gly964Cys). The glycine residue is moderately conserved and there is a large physicochemical difference between glycine and cysteine. This variant is not present in population databases (ExAC no frequency). This variant has not been reported in the literature in individuals with FBN2-related conditions. Advanced modeling of protein sequence and biophysical properties (such as structural, functional, and spatial information, amino acid conservation, physicochemical variation, residue mobility, and thermodynamic stability) performed at Invitae indicates that this missense variant is expected to disrupt FBN2 protein function. In summary, the available evidence is currently insufficient to determine the role of this variant in disease. Therefore, it has been classified as a Variant of Uncertain Significance.

NM_001999.4(FBN2):c.2890G>T (p.Gly964Cys)

Gene: FBN2 (fibrillin 2; minus strand). Cytogenetic location: 5q23.3.
Variant type: single nucleotide variant.
Coding change: c.2890G>T on transcript NM_001999.4 (MANE Select); coding-DNA position 2890, G replaced by T.
Protein change: p.Gly964Cys; replaces glycine 964 with cysteine.
Molecular consequence: missense variant.
Genome position (GRCh38, 1-based): chr5:128,349,446, C>A on the plus strand (G>T on the coding strand, the complement: FBN2 is on the minus strand). VCF-style: chr5-128349446-C-A. GRCh37 (hg19) VCF-style: chr5-127685138-C-A.
Other names: short protein forms G964C.
Identifiers: ClinVar variation 1054904 (VCV001054904.9), dbSNP rs2126919911, ClinGen allele CA360765492.